The following is an entry in ClinVar:

ClinVar aggregate classification (germline): Uncertain significance. Review status: criteria provided, multiple submitters, no conflicts (2 of 4 stars). 2 submissions from 2 submitters: Uncertain significance (2). Last evaluated 2023-10-17.

Conditions:
Cardiovascular phenotype. Identifiers: MedGen CN230736.
Long QT syndrome 11 (LQT11). Identifiers: Orphanet 101016, Orphanet 768, MedGen C2678483, MONDO:0012738, OMIM 611820.

Submissions (2):

Ambry Genetics
Classification: Uncertain significance for Cardiovascular phenotype. Last evaluated: 2023-10-17. Review status: criteria provided, single submitter. Criteria: Ambry Variant Classification Scheme 2023. Collection method: clinical testing. Allele origin: germline.
Comment: The c.412_414delGAA variant (also known as p.E138del), located in coding exon 5 of the AKAP9 gene, results from an in-frame GAA deletion at nucleotide positions 412 to 414. This results in the in-frame deletion of a glutamic acid at codon 138. This amino acid position is well conserved in available vertebrate species. In addition, the in silico prediction for this alteration is inconclusive (Choi Y et al. PLoS ONE. 2012; 7(10):e46688). The evidence for this gene-disease relationship is limited; therefore, the clinical significance of this alteration is unclear.

Center for Genomics, Ann and Robert H. Lurie Children's Hospital of Chicago
Classification: Uncertain significance for Long QT syndrome 11. Last evaluated: 2021-03-30. Review status: criteria provided, single submitter. Criteria: ACMG Guidelines, 2015. Collection method: clinical testing. Allele origin: germline.
Comment: AKAP9 NM_005751.4 exon 5 p.Glu138del (c.406_408del): This variant has not been reported in the literature but is present in 0.0008% (1/113486) of European alleles in the Genome Aggregation Database. Evolutionary conservation and computational predictive tools for this variant are limited or unavailable. This variant represents an in-frame deletion of one amino acid at position 138 and is not predicted to alter the reading frame. However, the effect of this variant on the protein is unclear. In summary, data on this variant is insufficient for disease classification. Therefore, the clinical significance of this variant is uncertain.

NM_005751.5(AKAP9):c.406GAA[2] (p.Glu138del)

Gene: AKAP9 (A-kinase anchoring protein 9; plus strand). Cytogenetic location: 7q21.2.
Variant type: Microsatellite.
Coding change: c.406GAA[2] on transcript NM_005751.5 (MANE Select); two copies in a row of the 3-base unit GAA starting at c.406; the reference has three copies in a row; one copy, 3 bases deleted.
Protein change: p.Glu138del; deletes glutamic acid 138.
Molecular consequence: inframe deletion. On other transcripts: inframe indel (1).
Genome position (GRCh38, 1-based): chr7:91,992,891-91,992,893, GAA deleted; deleting any 3 consecutive bases within chr7:91,992,885-91,992,893 gives the same sequence; the position shown is the placement nearest the transcript's 3' end. VCF-style (leftmost placement, unchanged base first): chr7-91992884-GGAA-G. GRCh37 (hg19) VCF-style: chr7-91622198-GGAA-G.
Other names: c.412_414delGAA (NM_005751.4); c.406_408GAA[2], p.Glu138del (NM_005751.4); c.406GAA[2], p.Glu138del (NM_147185.3); short protein forms E138del.
Identifiers: ClinVar variation 2501752 (VCV002501752.2), dbSNP rs1216908478, ClinGen allele CA576705486.